The following is an entry in ClinVar:

NM_144670.6(A2ML1):c.410T>C (p.Val137Ala)

Genes: A2ML1 (alpha-2-macroglobulin like 1; plus strand), A2ML1-AS1 (A2ML1 antisense RNA 1; minus strand). Cytogenetic location: 12p13.31.
Variant type: single nucleotide variant.
Coding change: c.410T>C on transcript NM_144670.6 (MANE Select); coding-DNA position 410, T replaced by C.
Protein change: p.Val137Ala; replaces valine 137 with alanine.
Molecular consequence: missense variant.
Genome position (GRCh38, 1-based): chr12:8,829,727, T>C. VCF-style: chr12-8829727-T-C. GRCh37 (hg19) VCF-style: chr12-8982323-T-C.
Other names: short protein forms V137A.
Identifiers: ClinVar variation 3296214 (VCV003296214.1).
Genomic context (GRCh38, chr12:8,829,727, plus strand): 5'-AAAAAAAAAATTCTGAGCCAGGAAACATCCCCTTTGCTAATGATGCCTGTTCCTTTCCAG[T>C]GTATTTCCGCATTGTCACCATGGATAGCAACTTCGTTCCAGTGAATGACAAGGTGAGTTG-3'
Protein context (NP_653271.3, residues 127-147): DKPLYTPGQQ[Val137Ala]YFRIVTMDSN

ClinVar aggregate classification (germline): Uncertain significance (1 of 4 stars; one submission).

gnomAD v4.1: 1 of 1,611,690 alleles (0.000062%); highest among the groups gnomAD compares: East Asian, 0.0022%; no homozygotes.

Submission:

Ambry Genetics
Classification: Uncertain significance. Last evaluated: 2024-06-07. Review status: criteria provided, single submitter. Criteria: Ambry Variant Classification Scheme 2023. Collection method: clinical testing. Allele origin: germline.
Comment: The p.V137A variant (also known as c.410T>C) is located in coding exon 4 of the A2ML1 gene. The valine at codon 137 is replaced by alanine, an amino acid with similar properties. This change occurs in the first base pair of coding exon 4. This amino acid position is conserved. In addition, this alteration is predicted to be deleterious by in silico analysis. Based on the available evidence, the clinical significance of this variant remains unclear.